The following is an entry in ClinVar:

ClinVar aggregate classification (germline): Likely benign (1 of 4 stars; one submission).

Allele frequency attached by ClinVar (database versions not stated): 1000 Genomes Project 30x 0.00687.

Submission:

GeneDx
Classification: Likely benign. Last evaluated: 2018-06-16. Review status: criteria provided, single submitter. Criteria: GeneDx Variant Classification (06012015). Collection method: clinical testing. Allele origin: germline. Affected: yes.
Comment: This variant is considered likely benign or benign based on one or more of the following criteria: it is a conservative change, it occurs at a poorly conserved position in the protein, it is predicted to be benign by multiple in silico algorithms, and/or has population frequency not consistent with disease.

NM_001384732.1(CPLANE1):c.7813-91_7813-90insA

Gene: CPLANE1 (ciliogenesis and planar polarity effector complex subunit 1; minus strand). Cytogenetic location: 5p13.2.
Variant type: Insertion.
Coding change: c.7813-91_7813-90insA on transcript NM_001384732.1 (MANE Select); 91 bases into the intron before coding-DNA position 7813 through 90 bases into the intron before coding-DNA position 7813, A inserted.
Molecular consequence: intron variant.
Genome position: GRCh38 VCF-style: chr5-37157958-A-AT. GRCh37 (hg19) VCF-style: chr5-37158060-A-AT.
Other names: c.7813-145_7813-144insA (NM_023073.4).
Identifiers: ClinVar variation 672926 (VCV000672926.1), dbSNP rs779504612, ClinGen allele CA117045766.